The following is an entry in ClinVar:

NM_002880.4(RAF1):c.1385A>G (p.Lys462Arg)

Gene: RAF1 (Raf-1 proto-oncogene, serine/threonine kinase; minus strand). Cytogenetic location: 3p25.2.
Variant type: single nucleotide variant.
Coding change: c.1385A>G on transcript NM_002880.4 (MANE Select); coding-DNA position 1385, A replaced by G.
Protein change: p.Lys462Arg; replaces lysine 462 with arginine.
Molecular consequence: missense variant. On other transcripts: non-coding transcript variant (3).
Genome position (GRCh38, 1-based): chr3:12,587,623, T>C on the plus strand (A>G on the coding strand, the complement: RAF1 is on the minus strand). VCF-style: chr3-12587623-T-C. GRCh37 (hg19) VCF-style: chr3-12629122-T-C.
Other names: c.1445A>G, p.Lys482Arg (NM_001354689.3); c.1385A>G, p.Lys462Arg (NM_001354690.3); c.1142A>G, p.Lys381Arg (NM_001354691.3, NM_001354692.3); c.1286A>G, p.Lys429Arg (NM_001354693.3); c.1202A>G, p.Lys401Arg (NM_001354694.3); c.1043A>G, p.Lys348Arg (NM_001354695.3); short protein forms K348R, K482R, K381R, K401R, K462R, K429R.
Identifiers: ClinVar variation 2904425 (VCV002904425.3), dbSNP rs2470205915, ClinGen allele CA351500592.
Genomic context (GRCh38, chr3:12,587,623, plus strand): 5'-TCAAATGAACTCAACAACCAAAGGATACTGTTGGATTTCATGTCTCTATGGATGATGTTC[T>C]TTGCATGCAAATAGCTGTGAAGGGAAAAGAAATTATTAAAAATAAGTTTGAGGGGCATGA-3'
Protein context (NP_002871.1, residues 452-472): TAQGMDYLHA[Lys462Arg]NIIHRDMKSN

ClinVar aggregate classification (germline): Uncertain significance (1 of 4 stars; one submission).

Conditions:
RASopathy. Also called: Noonan spectrum disorder; rasopathies. Identifiers: Orphanet 536391, MedGen C5555857, MONDO:0021060.

Allele frequency attached by ClinVar (database versions not stated): gnomAD exomes below 0.00001.
gnomAD v4.1: 1 of 1,610,148 alleles (0.000062%); highest among the groups gnomAD compares: Non-Finnish European, 0.000085%; no homozygotes.

Submission:

Labcorp Genetics (formerly Invitae), Labcorp
Classification: Uncertain significance for RASopathy. Last evaluated: 2023-07-08. Review status: criteria provided, single submitter. Criteria: Invitae Variant Classification Sherloc (09022015). Collection method: clinical testing. Allele origin: germline.
Comment: In summary, the available evidence is currently insufficient to determine the role of this variant in disease. Therefore, it has been classified as a Variant of Uncertain Significance. Advanced modeling of protein sequence and biophysical properties (such as structural, functional, and spatial information, amino acid conservation, physicochemical variation, residue mobility, and thermodynamic stability) performed at Invitae indicates that this missense variant is expected to disrupt RAF1 protein function. This variant has not been reported in the literature in individuals affected with RAF1-related conditions. This variant is not present in population databases (gnomAD no frequency). This sequence change replaces lysine, which is basic and polar, with arginine, which is basic and polar, at codon 462 of the RAF1 protein (p.Lys462Arg).